The following is an entry in ClinVar:

NM_013266.4(CTNNA3):c.1006C>A (p.Arg336Ser)

Gene: CTNNA3 (catenin alpha 3; minus strand). Cytogenetic location: 10q21.3.
Variant type: single nucleotide variant.
Coding change: c.1006C>A on transcript NM_013266.4 (MANE Select); coding-DNA position 1006, C replaced by A.
Protein change: p.Arg336Ser; replaces arginine 336 with serine.
Molecular consequence: missense variant.
Genome position (GRCh38, 1-based): chr10:67,180,358, G>T on the plus strand (C>A on the coding strand, the complement: CTNNA3 is on the minus strand). VCF-style: chr10-67180358-G-T. GRCh37 (hg19) VCF-style: chr10-68940116-G-T.
Other names: c.1006C>A, p.Arg336Ser (NM_001127384.3); c.1042C>A, p.Arg348Ser (NM_001291133.2); short protein forms R336S, R348S.
Identifiers: ClinVar variation 1284390 (VCV001284390.8), dbSNP rs375721994, ClinGen allele CA5520427.

ClinVar aggregate classification (germline): Uncertain significance. Review status: criteria provided, multiple submitters, no conflicts (2 of 4 stars). 4 submissions from 4 submitters: Uncertain significance (2). 2 of the submissions do not count toward it. Last evaluated 2025-02-19.

Conditions:
Arrhythmogenic right ventricular dysplasia 13. Also called: Arrhythmogenic right ventricular dysplasia, familial, 13; ARRHYTHMOGENIC RIGHT VENTRICULAR CARDIOMYOPATHY 13. Identifiers: MedGen C3810138, MONDO:0000908, OMIM 615616.

gnomAD v4.1: 25 of 1,613,592 alleles (0.0015%); highest among the groups gnomAD compares: Non-Finnish European, 0.0019%; no homozygotes.

Submissions (4):

Ambry Genetics
Classification: Uncertain significance. Last evaluated: 2025-02-19. Review status: criteria provided, single submitter. Criteria: Ambry Variant Classification Scheme 2023. Collection method: clinical testing. Allele origin: germline.

Labcorp Genetics (formerly Invitae), Labcorp
Classification: Uncertain significance for Arrhythmogenic right ventricular dysplasia 13. Last evaluated: 2025-02-08. Review status: criteria provided, single submitter. Criteria: Invitae Variant Classification Sherloc (09022015). Collection method: clinical testing. Allele origin: germline.
Comment: This sequence change replaces arginine, which is basic and polar, with serine, which is neutral and polar, at codon 336 of the CTNNA3 protein (p.Arg336Ser). This variant is present in population databases (rs375721994, gnomAD 0.005%). This variant has not been reported in the literature in individuals affected with CTNNA3-related conditions. ClinVar contains an entry for this variant (Variation ID: 1284390). Invitae Evidence Modeling of protein sequence and biophysical properties (such as structural, functional, and spatial information, amino acid conservation, physicochemical variation, residue mobility, and thermodynamic stability) indicates that this missense variant is expected to disrupt CTNNA3 protein function with a positive predictive value of 80%. In summary, the available evidence is currently insufficient to determine the role of this variant in disease. Therefore, it has been classified as a Variant of Uncertain Significance.

Clinical Genetics, Academic Medical Center
Classification: Uncertain significance. Review status: no assertion criteria provided. Collection method: clinical testing. Allele origin: germline. Affected: yes. Study: VKGL Data-share Consensus. Not counted in ClinVar's aggregate classification.

Diagnostic Laboratory, Department of Genetics, University Medical Center Groningen
Classification: Uncertain significance. Review status: no assertion criteria provided. Collection method: clinical testing. Allele origin: germline. Affected: yes. Study: VKGL Data-share Consensus. Not counted in ClinVar's aggregate classification.